The following is an entry in ClinVar:

NM_001277058.2(ERCC6):c.2157C>T (p.Ser719=)

Genes: ERCC6 (ERCC excision repair 6, chromatin remodeling factor; minus strand), PGBD3 (piggyBac transposable element derived 3; minus strand). Cytogenetic location: 10q11.23.
Variant type: single nucleotide variant.
Coding change: c.2157C>T on transcript NM_001277058.2 (MANE Plus Clinical); coding-DNA position 2157, C replaced by T.
Protein change: p.Ser719=; no amino-acid change (serine 719 retained).
Molecular consequence: synonymous variant. On other transcripts: intron variant (2).
Genome position (GRCh38, 1-based): chr10:49,516,362, G>A on the plus strand (C>T on the coding strand, the complement: ERCC6 is on the minus strand). VCF-style: chr10-49516362-G-A. GRCh37 (hg19) VCF-style: chr10-50724408-G-A.
Other names: c.2157C>T, p.Ser719= (NM_001277059.2); c.753C>T, p.Ser251= (NM_170753.3); c.1397+7671C>T (NM_001346440.2, NM_000124.4).
Identifiers: ClinVar variation 788361 (VCV000788361.41), dbSNP rs41281955, ClinGen allele CA5496190.

ClinVar aggregate classification (germline): Benign/Likely benign. Review status: criteria provided, multiple submitters, no conflicts (2 of 4 stars). 4 submissions from 4 submitters: Benign (1); Likely benign (3). Last evaluated 2026-09-01.

Allele frequency attached by ClinVar (database versions not stated): ExAC 0.00672; gnomAD exomes 0.00679 and 0.00632; gnomAD 0.00681 and 0.00653; ESP Exome Variant Server 0.00715; 1000 Genomes Project 30x 0.00156; 1000 Genomes Project 0.00160; TOPMed 0.00604.
gnomAD v4.1: 10,366 of 1,614,072 alleles (0.64%); highest among the groups gnomAD compares: Middle Eastern, 0.76%; 67 homozygotes.

Submissions (4):

CeGaT Center for Human Genetics Tuebingen
Classification: Likely benign. Last evaluated: 2026-09-01. Review status: criteria provided, single submitter. Criteria: CeGaT Center For Human Genetics Tuebingen Variant Classification Criteria Version 2. Collection method: clinical testing. Allele origin: germline. Affected: yes. Observed: 66 variant alleles.
Comment: PGBD3: BP4, BP7, BS2; ERCC6: BP4, BP7, BS2

Labcorp Genetics (formerly Invitae), Labcorp
Classification: Benign. Last evaluated: 2019-12-31. Review status: criteria provided, single submitter. Criteria: Invitae Variant Classification Sherloc (09022015). Collection method: clinical testing. Allele origin: germline.

GeneDx
Classification: Likely benign. Last evaluated: 2019-12-24. Review status: criteria provided, single submitter. Criteria: GeneDx Variant Classification Process June 2021. Collection method: clinical testing. Allele origin: germline. Affected: yes.

Breakthrough Genomics
Classification: Likely benign. Review status: criteria provided, single submitter. Criteria: ACMG Guidelines, 2015. Collection method: not provided. Allele origin: germline. Inheritance: Autosomal recessive inheritance. Affected: yes.